The following is an entry in ClinVar:

ClinVar aggregate classification (germline): Pathogenic. Review status: criteria provided, multiple submitters, no conflicts (2 of 4 stars). 4 submissions from 4 submitters: Pathogenic (4). Last evaluated 2023-05-09.

Conditions:
Hereditary cancer-predisposing syndrome. Also called: Tumor predisposition; Hereditary Cancer Syndrome; Hereditary neoplastic syndrome; Neoplastic Syndromes, Hereditary. Identifiers: Orphanet 140162, MedGen C0027672, MeSH D009386, MONDO:0015356.
Familial adenomatous polyposis 1 (FAP1). Also called: FAMILIAL ADENOMATOUS POLYPOSIS 1, ATTENUATED; POLYPOSIS, ADENOMATOUS INTESTINAL. Identifiers: MedGen C2713442, MONDO:0021056, OMIM 175100. Disease mechanism: loss of function.

Submissions (4):

Myriad Genetics, Inc.
Classification: Pathogenic for Familial adenomatous polyposis 1. Last evaluated: 2023-05-09. Review status: criteria provided, single submitter. Criteria: Myriad Autosomal Dominant, Autosomal Recessive and X-Linked Classification Criteria (2023). Collection method: clinical testing. Allele origin: unknown.
Comment: This variant is considered pathogenic. This variant creates a termination codon and is predicted to result in premature protein truncation.

ARUP Laboratories, Molecular Genetics and Genomics, ARUP Laboratories
Classification: Pathogenic. Last evaluated: 2021-05-08. Review status: criteria provided, single submitter. Criteria: ARUP Molecular Germline Variant Investigation Process 2021. Collection method: clinical testing. Allele origin: germline.
Comment: The APC c.3786T>G; p.Tyr1262Ter variant (rs147411334), to our knowledge, is not reported in the medical literature but is reported as pathogenic in ClinVar (Variation ID: 537417). This variant is absent from general population databases (Exome Variant Server, Genome Aggregation Database), indicating it is not a common polymorphism. This variant results in a premature termination codon in the last exon of the APC gene. While this may not lead to nonsense-mediated decay, it is expected to create a truncated protein lacking 1582 amino acids. Another nonsense variant at the same codon (c.3786T>A; p.Tyr1262Ter) has been reported in patients affected with familial adenomatous polyposis and is considered disease-causing (Friedl 2001, Stekrova 2007). Based on available information, the c.3786T>G; p.Tyr1262Ter variant is considered to be pathogenic. References: Friedl W et al. Can APC mutation analysis contribute to therapeutic decisions in familial adenomatous polyposis? Experience from 680 FAP families. Gut. 2001 Apr;48(4):515-21. PMID: 11247896. Stekrova J et al. Novel APC mutations in Czech and Slovak FAP families: clinical and genetic aspects. BMC Med Genet. 2007 Apr 5;8:16. PMID: 17411426.

Ambry Genetics
Classification: Pathogenic for Hereditary cancer-predisposing syndrome. Last evaluated: 2018-06-21. Review status: criteria provided, single submitter. Criteria: Ambry Variant Classification Scheme 2023. Collection method: clinical testing. Allele origin: germline.
Comment: The p.Y1262* pathogenic mutation (also known as c.3786T>G), located in coding exon 15 of the APC gene, results from a T to G substitution at nucleotide position 3786. This changes the amino acid from a tyrosine to a stop codon within coding exon 15. This alteration is expected to result in loss of function by premature protein truncation. A different nucleotide change that lead to the same amino acid impact, c.3786T>A, has been reported in individuals with familial adenomatous polyposis (Friedl W et al. Gut. 2001 Apr;48:515-21; Stekrova J et al. BMC Med. Genet. 2007 Apr;8:16). As such, this alteration is interpreted as a disease-causing mutation.

Labcorp Genetics (formerly Invitae), Labcorp
Classification: Pathogenic for Familial adenomatous polyposis 1. Last evaluated: 2017-09-20. Review status: criteria provided, single submitter. Criteria: Invitae Variant Classification Sherloc (09022015). Collection method: clinical testing. Allele origin: germline.
Comment: While this variant has not been reported in the literature in APC-related diseases, loss-of-function variants in APC are known to be pathogenic (PMID: 17963004, 20685668). For these reasons, this variant has been classified as Pathogenic. This variant is not present in population databases (ExAC no frequency). This sequence change results in a premature translational stop signal in the APC gene (p.Tyr1262*). While this is not anticipated to result in nonsense mediated decay, it is expected to delete the last 1582 amino acids of the APC protein. Different variants (c.3786T>A and c.3785dupA) giving rise to the same protein effect observed here (p.Tyr1262*) have been reported as pathogenic in individuals affected with familial adenomatous polyposis (PMID: 11247896, Invitae). In addition, a different truncation downstream of this variant (p.Ser1276*) has been determined to be pathogenic (PMID: 9452101, 10094547, 15108286, Invitae). This suggests that deletion of this region of the APC protein is causative of disease.

Literature cited by the submitters: PubMed 11247896 (cited by Ambry Genetics and Labcorp Genetics (formerly Invitae), Labcorp); PubMed 17411426 (cited by Ambry Genetics); PubMed 17963004 (cited by Labcorp Genetics (formerly Invitae), Labcorp); PubMed 20685668 (cited by Labcorp Genetics (formerly Invitae), Labcorp); PubMed 9452101 (cited by Labcorp Genetics (formerly Invitae), Labcorp); PubMed 10094547 (cited by Labcorp Genetics (formerly Invitae), Labcorp); PubMed 15108286 (cited by Labcorp Genetics (formerly Invitae), Labcorp).

NM_000038.6(APC):c.3786T>G (p.Tyr1262Ter)

Gene: APC (APC regulator of Wnt signaling pathway; plus strand). Cytogenetic location: 5q22.2.
Variant type: single nucleotide variant.
Coding change: c.3786T>G on transcript NM_000038.6 (MANE Select); coding-DNA position 3786, T replaced by G.
Protein change: p.Tyr1262Ter; replaces tyrosine 1262 with a stop codon.
Molecular consequence: nonsense.
Genome position (GRCh38, 1-based): chr5:112,839,380, T>G. VCF-style: chr5-112839380-T-G. GRCh37 (hg19) VCF-style: chr5-112175077-T-G.
Other names: c.3786T>G, p.Tyr1262Ter (NM_001127510.3, NM_001354895.2); c.3732T>G, p.Tyr1244Ter (NM_001127511.3); c.3840T>G, p.Tyr1280Ter (NM_001354896.2); c.3816T>G, p.Tyr1272Ter (NM_001354897.2); c.3711T>G, p.Tyr1237Ter (NM_001354898.2); c.3702T>G, p.Tyr1234Ter (NM_001354899.2); c.3663T>G, p.Tyr1221Ter (NM_001354900.2); c.3609T>G, p.Tyr1203Ter (NM_001354901.2); and 5 more; short protein forms Y1244*, Y1262*, Y1102*, Y1203*, Y1237*, Y1280*, Y1136*, Y1161*.
Identifiers: ClinVar variation 537417 (VCV000537417.20), dbSNP rs147411334, ClinGen allele CA16029636.